The following is an entry in ClinVar:

NM_020297.4(ABCC9):c.4512+733C>A

Genes: ABCC9 (ATP binding cassette subfamily C member 9; minus strand), KCNJ8-AS1 (KCNJ8 antisense RNA 1; plus strand). Cytogenetic location: 12p12.1.
Variant type: single nucleotide variant.
Coding change: c.4512+733C>A on transcript NM_020297.4 (MANE Select); 733 bases into the intron after coding-DNA position 4512, C replaced by A.
Molecular consequence: intron variant. On other transcripts: missense variant (1).
Genome position (GRCh38, 1-based): chr12:21,805,265, G>T on the plus strand (C>A on the coding strand, the complement: ABCC9 is on the minus strand). VCF-style: chr12-21805265-G-T. GRCh37 (hg19) VCF-style: chr12-21958199-G-T.
Other names: c.4559C>A, p.Ser1520Tyr (NM_005691.4); c.3645+733C>A (NM_001377274.1); c.4512+733C>A (NM_001377273.1); short protein forms S1520Y.
Identifiers: ClinVar variation 2625271 (VCV002625271.5), dbSNP rs1416247885, ClinGen allele CA384129336.

ClinVar aggregate classification (germline): Uncertain significance. Review status: criteria provided, multiple submitters, no conflicts (2 of 4 stars). 2 submissions from 2 submitters: Uncertain significance (2). Last evaluated 2023-06-29.

Conditions:
Cardiovascular phenotype. Identifiers: MedGen CN230736.
Dilated cardiomyopathy 1O (CMD1O). Also called: CARDIOMYOPATHY, DILATED, WITH VENTRICULAR TACHYCARDIA. Identifiers: Orphanet 154, MedGen C1837839, MONDO:0012062, OMIM 608569.

Allele frequency attached by ClinVar (database versions not stated): TOPMed below 0.00001.

Submissions (2):

Ambry Genetics
Classification: Uncertain significance for Cardiovascular phenotype. Last evaluated: 2023-06-29. Review status: criteria provided, single submitter. Criteria: Ambry Variant Classification Scheme 2023. Collection method: clinical testing. Allele origin: germline.
Comment: The p.S1520Y variant (also known as c.4559C>A), located in coding exon 38 of the ABCC9 gene, results from a C to A substitution at nucleotide position 4559. The serine at codon 1520 is replaced by tyrosine, an amino acid with dissimilar properties. This amino acid position is highly conserved in available vertebrate species. In addition, the in silico prediction for this alteration is inconclusive. Since supporting evidence is limited at this time, the clinical significance of this alteration remains unclear.

Labcorp Genetics (formerly Invitae), Labcorp
Classification: Uncertain significance for Dilated cardiomyopathy 1O. Last evaluated: 2023-06-21. Review status: criteria provided, single submitter. Criteria: Invitae Variant Classification Sherloc (09022015). Collection method: clinical testing. Allele origin: germline.
Comment: This sequence change replaces serine, which is neutral and polar, with tyrosine, which is neutral and polar, at codon 1520 of the ABCC9 protein (p.Ser1520Tyr). This variant is present in population databases (no rsID available, gnomAD 0.002%). This variant has not been reported in the literature in individuals affected with ABCC9-related conditions. Advanced modeling of protein sequence and biophysical properties (such as structural, functional, and spatial information, amino acid conservation, physicochemical variation, residue mobility, and thermodynamic stability) performed at Invitae indicates that this missense variant is not expected to disrupt ABCC9 protein function. In summary, the available evidence is currently insufficient to determine the role of this variant in disease. Therefore, it has been classified as a Variant of Uncertain Significance.